The following is an entry in ClinVar:

NM_152564.5(VPS13B):c.4867A>T (p.Lys1623Ter)

Gene: VPS13B (vacuolar protein sorting 13 homolog B; plus strand). Cytogenetic location: 8q22.2.
Variant type: single nucleotide variant.
Coding change: c.4867A>T on transcript NM_152564.5 (MANE Select); coding-DNA position 4867, A replaced by T.
Protein change: p.Lys1623Ter; replaces lysine 1623 with a stop codon.
Molecular consequence: nonsense.
Genome position (GRCh38, 1-based): chr8:99,556,571, A>T. VCF-style: chr8-99556571-A-T. GRCh37 (hg19) VCF-style: chr8-100568799-A-T.
Other names: c.4942A>T, p.Lys1648Ter (NM_017890.5); short protein forms K1623*, K1648*.
Identifiers: ClinVar variation 1724241 (VCV001724241.2), dbSNP rs2490789747, ClinGen allele CA371869398.

ClinVar aggregate classification (germline): Likely pathogenic (1 of 4 stars; one submission).

Conditions:
Cohen syndrome (COH1). Also called: PEPPER SYNDROME; Cutis verticis gyrata, retinitis pigmentosa, and sensorineural deafness. Identifiers: Orphanet 193, MedGen C0265223, MONDO:0008999, OMIM 216550.

Submission:

Myriad Genetics, Inc.
Classification: Likely pathogenic for Cohen syndrome. Last evaluated: 2021-11-08. Review status: criteria provided, single submitter. Criteria: Myriad Women's Health Autosomal Recessive and X-Linked Classification Criteria (2021). Collection method: clinical testing. Allele origin: unknown.
Comment: NM_017890.4(VPS13B):c.4942A>T(K1648*) is expected to be pathogenic in the context of Cohen syndrome. This variant is predicted to lead to an abnormal or absent protein product due to the creation of a premature termination codon in VPS13B, a gene where loss-of-function variants are known to be pathogenic. Please note: this variant was assessed in the context of healthy population screening.